The following is an entry in ClinVar:

NM_025082.4(CENPT):c.1022G>A (p.Gly341Asp)

Gene: CENPT (centromere protein T; minus strand). Cytogenetic location: 16q22.1.
Variant type: single nucleotide variant.
Coding change: c.1022G>A on transcript NM_025082.4 (MANE Select); coding-DNA position 1022, G replaced by A.
Protein change: p.Gly341Asp; replaces glycine 341 with aspartic acid.
Molecular consequence: missense variant.
Genome position (GRCh38, 1-based): chr16:67,829,929, C>T on the plus strand (G>A on the coding strand, the complement: CENPT is on the minus strand). VCF-style: chr16-67829929-C-T. GRCh37 (hg19) VCF-style: chr16-67863832-C-T.
Other names: short protein forms G341D.
Identifiers: ClinVar variation 5034338 (VCV005034338.1).

ClinVar aggregate classification (germline): Uncertain significance (1 of 4 stars; one submission).

gnomAD v4.1: 14 of 1,614,246 alleles (0.00087%); highest among the groups gnomAD compares: South Asian, 0.013%; no homozygotes.

Submission:

Ambry Genetics
Classification: Uncertain significance. Last evaluated: 2026-07-28. Review status: criteria provided, single submitter. Criteria: Ambry Variant Classification Scheme 2023. Collection method: clinical testing. Allele origin: germline.
Comment: The c.1022G>A (p.G341D) alteration is located in exon 12 (coding exon 9) of the CENPT gene. This alteration results from a G to A substitution at nucleotide position 1022, causing the glycine (G) at amino acid position 341 to be replaced by an aspartic acid (D). Based on data from gnomAD, the A allele has an overall frequency of 0.002% (6/249580) total alleles studied. The highest observed frequency was 0.02% (6/30602) of South Asian alleles. Based on insufficient or conflicting evidence, the clinical significance of this alteration remains unclear.